The following is an entry in ClinVar:

ClinVar aggregate classification (germline): Uncertain significance (1 of 4 stars; one submission).

Allele frequency attached by ClinVar (database versions not stated): gnomAD exomes below 0.00001.

Submission:

Labcorp Genetics (formerly Invitae), Labcorp
Classification: Uncertain significance. Last evaluated: 2024-11-11. Review status: criteria provided, single submitter. Criteria: Invitae Variant Classification Sherloc (09022015). Collection method: clinical testing. Allele origin: germline.
Comment: This sequence change replaces asparagine, which is neutral and polar, with serine, which is neutral and polar, at codon 1682 of the TRPM6 protein (p.Asn1682Ser). This variant is not present in population databases (gnomAD no frequency). This variant has not been reported in the literature in individuals affected with TRPM6-related conditions. ClinVar contains an entry for this variant (Variation ID: 2124903). An algorithm developed to predict the effect of missense changes on protein structure and function outputs the following: PolyPhen-2: "Benign". The serine amino acid residue is found in multiple mammalian species, which suggests that this missense change does not adversely affect protein function. In summary, the available evidence is currently insufficient to determine the role of this variant in disease. Therefore, it has been classified as a Variant of Uncertain Significance.

NM_017662.5(TRPM6):c.5045A>G (p.Asn1682Ser)

Gene: TRPM6 (transient receptor potential cation channel subfamily M member 6; minus strand). Cytogenetic location: 9q21.13.
Variant type: single nucleotide variant.
Coding change: c.5045A>G on transcript NM_017662.5 (MANE Select); coding-DNA position 5045, A replaced by G.
Protein change: p.Asn1682Ser; replaces asparagine 1682 with serine.
Molecular consequence: missense variant.
Genome position (GRCh38, 1-based): chr9:74,750,676, T>C on the plus strand (A>G on the coding strand, the complement: TRPM6 is on the minus strand). VCF-style: chr9-74750676-T-C. GRCh37 (hg19) VCF-style: chr9-77365592-T-C.
Other names: c.5030A>G, p.Asn1677Ser (NM_001177310.2, NM_001177311.2); short protein forms N1677S, N1682S.
Identifiers: ClinVar variation 2124903 (VCV002124903.4), dbSNP rs958145393, ClinGen allele CA194285483.
Genomic context (GRCh38, chr9:74,750,676, plus strand): 5'-AAAATGGAAGCCAAAGATTCTTAAACATAAACATTTAGAAATACTCACAGGGAGTTCCTA[T>C]TGAGGTTGGTGCTCCTGGAATTCCACAAAGAGTTTTTGCTGAGATCCTGAGCAGAAGGGA-3'
Protein context (NP_060132.3, residues 1672-1692): SLWNSRSTNL[Asn1682Ser]RNSLLKSSIG